The following is an entry in ClinVar:

NM_004415.4(DSP):c.4873G>T (p.Val1625Phe)

Gene: DSP (desmoplakin; plus strand). Cytogenetic location: 6p24.3.
Variant type: single nucleotide variant.
Coding change: c.4873G>T on transcript NM_004415.4 (MANE Select); coding-DNA position 4873, G replaced by T.
Protein change: p.Val1625Phe; replaces valine 1625 with phenylalanine.
Molecular consequence: missense variant. On other transcripts: intron variant (2).
Genome position (GRCh38, 1-based): chr6:7,581,063, G>T. VCF-style: chr6-7581063-G-T. GRCh37 (hg19) VCF-style: chr6-7581296-G-T.
Other names: c.4050+823G>T (NM_001319034.2); c.3582+1291G>T (NM_001008844.3); short protein forms V1625F.
Identifiers: ClinVar variation 3505525 (VCV003505525.1).

ClinVar aggregate classification (germline): Uncertain significance (1 of 4 stars; one submission).

Conditions:
Cardiovascular phenotype. Identifiers: MedGen CN230736.

Submission:

Ambry Genetics
Classification: Uncertain significance for Cardiovascular phenotype. Last evaluated: 2024-11-10. Review status: criteria provided, single submitter. Criteria: Ambry Variant Classification Scheme 2023. Collection method: clinical testing. Allele origin: germline.
Comment: The p.V1625F variant (also known as c.4873G>T), located in coding exon 23 of the DSP gene, results from a G to T substitution at nucleotide position 4873. The valine at codon 1625 is replaced by phenylalanine, an amino acid with highly similar properties. This amino acid position is conserved. In addition, this alteration is predicted to be tolerated by in silico analysis. Based on the available evidence, the clinical significance of this variant remains unclear.